The following is an entry in ClinVar:

NM_002180.3(IGHMBP2):c.1551C>T (p.Leu517=)

Genes: IGHMBP2 (immunoglobulin mu DNA binding protein 2; plus strand), LOC126861245 (CDK7 strongly-dependent group 2 enhancer GRCh37_chr11:68701479-68702678; plus strand). Cytogenetic location: 11q13.3.
Variant type: single nucleotide variant.
Coding change: c.1551C>T on transcript NM_002180.3 (MANE Select); coding-DNA position 1551, C replaced by T.
Protein change: p.Leu517=; no amino-acid change (leucine 517 retained).
Molecular consequence: synonymous variant.
Genome position (GRCh38, 1-based): chr11:68,934,477, C>T. VCF-style: chr11-68934477-C-T. GRCh37 (hg19) VCF-style: chr11-68701945-C-T.
Identifiers: ClinVar variation 466578 (VCV000466578.45), dbSNP rs150549628, ClinGen allele CA6153700.

ClinVar aggregate classification (germline): Conflicting classifications of pathogenicity. Review status: criteria provided, conflicting classifications (1 of 4 stars). 7 submissions from 7 submitters: Uncertain significance (1); Benign (1); Likely benign (5). Last evaluated 2025-12-26.

Conditions:
Autosomal recessive distal spinal muscular atrophy 1. Also called: Spinal muscular atrophy with respiratory distress 1; NEURONOPATHY, DISTAL HEREDITARY MOTOR, HARDING TYPE VI; NEUROPATHY, DISTAL HEREDITARY MOTOR, AUTOSOMAL RECESSIVE 1; NEURONOPATHY, SEVERE INFANTILE AXONAL, WITH RESPIRATORY FAILURE; SEVERE INFANTILE AXONAL NEUROPATHY WITH RESPIRATORY FAILURE; SPINAL MUSCULAR ATROPHY, DIAPHRAGMATIC. Identifiers: Orphanet 98920, MedGen C1858517, MONDO:0011436, OMIM 604320.
Charcot-Marie-Tooth disease. Also called: Charcot-Marie-Tooth Hereditary Neuropathy; Charcot-Marie-Tooth Neuropathy. Identifiers: Orphanet 166, MedGen C0007959, MONDO:0015626.
IGHMBP2-related disorder. Also called: IGHMBP2-related condition; IGHMBP2-related disorders.
Inborn genetic diseases. Identifiers: MedGen C0950123, MeSH D030342.
Charcot-Marie-Tooth disease axonal type 2S. Also called: CHARCOT-MARIE-TOOTH NEUROPATHY, TYPE 2S; CHARCOT-MARIE-TOOTH DISEASE, AXONAL, AUTOSOMAL RECESSIVE, TYPE 2S. Identifiers: Orphanet 443073, MedGen C4015349, MONDO:0014511, OMIM 616155.

Allele frequency attached by ClinVar (database versions not stated): gnomAD exomes 0.00015; ESP Exome Variant Server 0.00038; 1000 Genomes Project 30x 0.00047; TOPMed 0.00059; 1000 Genomes Project 0.00060; gnomAD 0.00062.
gnomAD v4.1: 312 of 1,610,126 alleles (0.019%); highest among the groups gnomAD compares: African/African-American, 0.18%; 1 homozygote.

Submissions (7):

Labcorp Genetics (formerly Invitae), Labcorp
Classification: Benign for Autosomal recessive distal spinal muscular atrophy 1; Charcot-Marie-Tooth disease axonal type 2S. Last evaluated: 2025-12-26. Review status: criteria provided, single submitter. Criteria: Invitae Variant Classification Sherloc (09022015). Collection method: clinical testing. Allele origin: germline.

PreventionGenetics, part of Exact Sciences
Classification: Likely benign for IGHMBP2-related condition. Last evaluated: 2025-03-12. Review status: criteria provided, single submitter. Criteria: ACMG Guidelines, 2015. Collection method: clinical testing. Allele origin: germline.
Comment: This variant is classified as likely benign based on ACMG/AMP sequence variant interpretation guidelines (Richards et al. 2015 PMID: 25741868, with internal and published modifications).

CeGaT Center for Human Genetics Tuebingen
Classification: Likely benign. Last evaluated: 2022-07-01. Review status: criteria provided, single submitter. Criteria: CeGaT Center For Human Genetics Tuebingen Variant Classification Criteria Version 2. Collection method: clinical testing. Allele origin: germline. Affected: yes. Observed: 1 variant allele.
Comment: IGHMBP2: BP4, BP7

GeneDx
Classification: Likely benign. Last evaluated: 2021-06-11. Review status: criteria provided, single submitter. Criteria: GeneDx Variant Classification Process June 2021. Collection method: clinical testing. Allele origin: germline. Affected: yes.

Ambry Genetics
Classification: Likely benign for Inborn genetic diseases. Last evaluated: 2019-07-11. Review status: criteria provided, single submitter. Criteria: Ambry Variant Classification Scheme 2023. Collection method: clinical testing. Allele origin: germline.

Illumina Laboratory Services, Illumina
Classification: Uncertain significance for Autosomal recessive distal spinal muscular atrophy 1. Last evaluated: 2018-01-13. Review status: criteria provided, single submitter. Criteria: ICSL Variant Classification Criteria 13 December 2019. Collection method: clinical testing. Allele origin: germline.

Molecular Genetics Laboratory, London Health Sciences Centre
Classification: Likely benign for Charcot-Marie-Tooth disease. Review status: criteria provided, single submitter. Criteria: ACMG Guidelines, 2015. Collection method: clinical testing. Allele origin: germline. Affected: yes.